The following is an entry in ClinVar:

ClinVar aggregate classification (germline): Uncertain significance. Review status: criteria provided, multiple submitters, no conflicts (2 of 4 stars). 2 submissions from 2 submitters: Uncertain significance (2). Last evaluated 2026-06-15.

Conditions:
Inborn genetic diseases. Identifiers: MedGen C0950123, MeSH D030342.

Allele frequency attached by ClinVar (database versions not stated): ExAC 0.00008; TOPMed 0.00022; gnomAD 0.00027.

Submissions (2):

GeneDx
Classification: Uncertain significance. Last evaluated: 2026-06-15. Review status: criteria provided, single submitter. Criteria: GeneDx Variant Classification Process June 2021. Collection method: clinical testing. Allele origin: germline.
Comment: In silico analysis indicates that this missense variant does not alter protein structure/function; Has not been previously published as pathogenic or benign to our knowledge

Ambry Genetics
Classification: Uncertain significance for Inborn genetic diseases. Last evaluated: 2021-06-25. Review status: criteria provided, single submitter. Criteria: Ambry Variant Classification Scheme 2023. Collection method: clinical testing. Allele origin: germline.

NM_001163809.2(WDR81):c.1291G>A (p.Gly431Ser)

Gene: WDR81 (WD repeat domain 81; plus strand). Cytogenetic location: 17p13.3.
Variant type: single nucleotide variant.
Coding change: c.1291G>A on transcript NM_001163809.2 (MANE Select); coding-DNA position 1291, G replaced by A.
Protein change: p.Gly431Ser; replaces glycine 431 with serine.
Molecular consequence: missense variant. On other transcripts: intron variant (3).
Genome position (GRCh38, 1-based): chr17:1,726,250, G>A. VCF-style: chr17-1726250-G-A. GRCh37 (hg19) VCF-style: chr17-1629544-G-A.
Other names: c.-123-1740G>A (NM_152348.4); c.59-4130G>A (NM_001163673.2); c.-15+1464G>A (NM_001163811.2); short protein forms G431S.
Identifiers: ClinVar variation 2351880 (VCV002351880.4), dbSNP rs781397816, ClinGen allele CA8273033.